The following is an entry in ClinVar:

NM_033118.4(MYLK2):c.808C>T (p.Arg270Cys)

Gene: MYLK2 (myosin light chain kinase 2; plus strand). Cytogenetic location: 20q11.21.
Variant type: single nucleotide variant.
Coding change: c.808C>T on transcript NM_033118.4 (MANE Select); coding-DNA position 808, C replaced by T.
Protein change: p.Arg270Cys; replaces arginine 270 with cysteine.
Molecular consequence: missense variant.
Genome position (GRCh38, 1-based): chr20:31,823,512, C>T. VCF-style: chr20-31823512-C-T. GRCh37 (hg19) VCF-style: chr20-30411315-C-T.
Other names: short protein forms R270C.
Identifiers: ClinVar variation 1761937 (VCV001761937.4), dbSNP rs763058453, ClinGen allele CA9803007.
Genomic context (GRCh38, chr20:31,823,512, plus strand): 5'-ATGAGGGCTGTGCTCTGTCCCCCAGATGATTGCCCGCCACCTCCGGCCCCCTTCCCTCAC[C>T]GCATGGTGGAGCTGAGGACCGGGAATGTCAGCAGTGAATTCAGTATGAACTCCAAGGAGG-3'
Protein context (NP_149109.1, residues 260-280): CPPPPAPFPH[Arg270Cys]MVELRTGNVS

ClinVar aggregate classification (germline): Uncertain significance. Review status: criteria provided, multiple submitters, no conflicts (2 of 4 stars). 2 submissions from 2 submitters: Uncertain significance (2). Last evaluated 2024-11-30.

Allele frequency attached by ClinVar (database versions not stated): ExAC 0.00001; gnomAD 0.00001; TOPMed 0.00001.

Submissions (2):

Ambry Genetics
Classification: Uncertain significance. Last evaluated: 2024-11-30. Review status: criteria provided, single submitter. Criteria: Ambry Variant Classification Scheme 2023. Collection method: clinical testing. Allele origin: germline.
Comment: The p.R270C variant (also known as c.808C>T), located in coding exon 4 of the MYLK2 gene, results from a C to T substitution at nucleotide position 808. The arginine at codon 270 is replaced by cysteine, an amino acid with highly dissimilar properties. This amino acid position is conserved. In addition, the in silico prediction for this alteration is inconclusive. Since supporting evidence is limited at this time, the clinical significance of this alteration remains unclear.

GeneDx
Classification: Uncertain significance. Last evaluated: 2023-07-11. Review status: criteria provided, single submitter. Criteria: GeneDx Variant Classification Process June 2021. Collection method: clinical testing. Allele origin: germline. Affected: yes.
Comment: Identified in a patient with sudden cardiac death and HCM characteristics on autopsy (Fadoni et al., 2022); Not observed at significant frequency in large population cohorts (gnomAD); In silico analysis supports that this missense variant has a deleterious effect on protein structure/function; This variant is associated with the following publications: (PMID: 34984526)